The following is an entry in ClinVar:

ClinVar aggregate classification (germline): Uncertain significance. Review status: criteria provided, multiple submitters, no conflicts (2 of 4 stars). 2 submissions from 2 submitters: Uncertain significance (2). Last evaluated 2023-12-18.

Allele frequency attached by ClinVar (database versions not stated): ExAC 0.00002; gnomAD 0.00002; gnomAD exomes 0.00002 and 0.00003; TOPMed 0.00002.
gnomAD v4.1: 50 of 1,612,716 alleles (0.0031%); highest among the groups gnomAD compares: Non-Finnish European, 0.004%; no homozygotes.

Submissions (2):

Labcorp Genetics (formerly Invitae), Labcorp
Classification: Uncertain significance. Last evaluated: 2023-12-18. Review status: criteria provided, single submitter. Criteria: Invitae Variant Classification Sherloc (09022015). Collection method: clinical testing. Allele origin: germline.
Comment: This sequence change replaces arginine, which is basic and polar, with histidine, which is basic and polar, at codon 355 of the SKIV2L protein (p.Arg355His). This variant also falls at the last nucleotide of exon 10, which is part of the consensus splice site for this exon. This variant is present in population databases (rs753065173, gnomAD 0.005%). This variant has not been reported in the literature in individuals affected with SKIV2L-related conditions. ClinVar contains an entry for this variant (Variation ID: 1485491). An algorithm developed to predict the effect of missense changes on protein structure and function (PolyPhen-2) suggests that this variant is likely to be disruptive. Variants that disrupt the consensus splice site are a relatively common cause of aberrant splicing (PMID: 17576681, 9536098). Algorithms developed to predict the effect of sequence changes on RNA splicing suggest that this variant may disrupt the consensus splice site. In summary, the available evidence is currently insufficient to determine the role of this variant in disease. Therefore, it has been classified as a Variant of Uncertain Significance.

Blueprint Genetics
Classification: Uncertain significance. Last evaluated: 2022-11-24. Review status: criteria provided, single submitter. Criteria: ACMG Guidelines, 2015. Collection method: clinical testing. Allele origin: germline.

Literature cited by the submitters: PubMed 17576681 (cited by Labcorp Genetics (formerly Invitae), Labcorp); PubMed 9536098 (cited by Labcorp Genetics (formerly Invitae), Labcorp).

NM_006929.5(SKIC2):c.1064G>A (p.Arg355His)

Genes: SKIC2 (SKI2 subunit of superkiller complex; plus strand), LOC126859653 (CDK7 strongly-dependent group 2 enhancer GRCh37_chr6:31929542-31930741; plus strand). Cytogenetic location: 6p21.33.
Variant type: single nucleotide variant.
Coding change: c.1064G>A on transcript NM_006929.5 (MANE Select); coding-DNA position 1064, G replaced by A.
Protein change: p.Arg355His; replaces arginine 355 with histidine.
Molecular consequence: missense variant.
Genome position (GRCh38, 1-based): chr6:31,962,054, G>A. VCF-style: chr6-31962054-G-A. GRCh37 (hg19) VCF-style: chr6-31929831-G-A.
Other names: short protein forms R355H.
Identifiers: ClinVar variation 1485491 (VCV001485491.8), dbSNP rs753065173, ClinGen allele CA3729329.